The following is an entry in ClinVar:

ClinVar aggregate classification (germline): Uncertain significance (1 of 4 stars; one submission).

Conditions:
Fanconi anemia (FA). Also called: Fanconi's anemia. Identifiers: Orphanet 84, MedGen C0015625, MeSH D005199, MONDO:0019391.

Submission:

Labcorp Genetics (formerly Invitae), Labcorp
Classification: Uncertain significance for Fanconi anemia. Last evaluated: 2021-10-17. Review status: criteria provided, single submitter. Criteria: Invitae Variant Classification Sherloc (09022015). Collection method: clinical testing. Allele origin: germline.
Comment: This variant is not present in population databases (ExAC no frequency). This sequence change replaces glycine with glutamic acid at codon 308 of the FANCL protein (p.Gly308Glu). The glycine residue is highly conserved and there is a moderate physicochemical difference between glycine and glutamic acid. This variant has not been reported in the literature in individuals affected with FANCL-related conditions. In summary, the available evidence is currently insufficient to determine the role of this variant in disease. Therefore, it has been classified as a Variant of Uncertain Significance. Algorithms developed to predict the effect of missense changes on protein structure and function are either unavailable or do not agree on the potential impact of this missense change (SIFT: "Deleterious"; PolyPhen-2: "Probably Damaging"; Align-GVGD: "Class C0").

NM_018062.4(FANCL):c.923G>A (p.Gly308Glu)

Gene: FANCL (FA complementation group L; minus strand). Cytogenetic location: 2p16.1.
Variant type: single nucleotide variant.
Coding change: c.923G>A on transcript NM_018062.4 (MANE Select); coding-DNA position 923, G replaced by A.
Protein change: p.Gly308Glu; replaces glycine 308 with glutamic acid.
Molecular consequence: missense variant.
Genome position (GRCh38, 1-based): chr2:58,161,619, C>T on the plus strand (G>A on the coding strand, the complement: FANCL is on the minus strand). VCF-style: chr2-58161619-C-T. GRCh37 (hg19) VCF-style: chr2-58388754-C-T.
Other names: c.938G>A, p.Gly313Glu (NM_001114636.2); c.968G>A, p.Gly323Glu (NM_001374615.1); c.983G>A, p.Gly328Glu (NM_001410792.1); short protein forms G308E, G313E, G323E, G328E.
Identifiers: ClinVar variation 1497680 (VCV001497680.6), dbSNP rs2104783676, ClinGen allele CA346933283.